The following is an entry in ClinVar:

NM_021871.4(FGA):c.104G>A (p.Arg35His)

Gene: FGA (fibrinogen alpha chain; minus strand). Cytogenetic location: 4q31.3.
Variant type: single nucleotide variant.
Coding change: c.104G>A on transcript NM_021871.4 (MANE Select); coding-DNA position 104, G replaced by A.
Protein change: p.Arg35His; replaces arginine 35 with histidine.
Molecular consequence: missense variant.
Genome position (GRCh38, 1-based): chr4:154,589,513, C>T on the plus strand (G>A on the coding strand, the complement: FGA is on the minus strand). VCF-style: chr4-154589513-C-T. GRCh37 (hg19) VCF-style: chr4-155510665-C-T.
Other names: R16H; FIBRINOGEN AMIENS 1; FIBRINOGEN AMIENS 2; FIBRINOGEN BERGAMO 3; FIBRINOGEN BERN 2; FIBRINOGEN BICETRE 1; FIBRINOGEN BIRMINGHAM 1; FIBRINOGEN CHAPEL HILL 2; and 15 more; short protein forms R35H.
Identifiers: ClinVar variation 16404 (VCV000016404.30), dbSNP rs121909607, ClinGen allele CA130224.

ClinVar aggregate classification (germline): Pathogenic. Review status: criteria provided, multiple submitters, no conflicts (2 of 4 stars). 11 submissions from 10 submitters: Pathogenic (10). 1 of the submissions does not count toward it. Last evaluated 2026-03-19.

Conditions:
FGA-related disorder. Also called: FGA-related condition; FGA-related disorders.
Familial dysfibrinogenemia. Also called: Dysfibrinogenemia, congenital. Identifiers: Orphanet 335, Orphanet 98881, MedGen C0272350, MONDO:0014452, OMIM 616004.
Congenital afibrinogenemia. Identifiers: Orphanet 335, Orphanet 98880, MedGen C2584774, MONDO:0008737, OMIM 202400.
Familial visceral amyloidosis, Ostertag type (AMYLD2). Also called: AMYLOIDOSIS, HEREDITARY SYSTEMIC 2; AMYLOIDOSIS VIII; Ostertag type amyloidosis; Amyloidosis, hepatic and systemic; Hereditary Renal Amyloidosis; Familial visceral amyloidosis. Identifiers: Orphanet 85450, MedGen C0268389, MONDO:0007099, OMIM 105200.
Dysfibrinogenemia. Identifiers: MedGen C1260903, HP:0011901.
Abnormal bleeding. Also called: Bleeding diathesis. Identifiers: MedGen C1458140, HP:0001892.
Hypofibrinogenemia. Identifiers: MedGen C0553681, HP:0011900.

Allele frequency attached by ClinVar (database versions not stated): gnomAD exomes 0.00002 and 0.00001; gnomAD 0.00001; TOPMed 0.00001; ExAC 0.00002.
gnomAD v4.1: 38 of 1,613,864 alleles (0.0024%); highest among the groups gnomAD compares: Middle Eastern, 0.033%; no homozygotes.

Submissions (11):

PreventionGenetics, part of Exact Sciences
Classification: Pathogenic for FGA-related condition. Last evaluated: 2026-03-19. Review status: criteria provided, single submitter. Criteria: ACMG Guidelines, 2015. Collection method: clinical testing. Allele origin: germline.
Comment: The FGA c.104G>A variant is predicted to result in the amino acid substitution p.Arg35His. This variant is alternatively referred to as p.Arg16His using legacy nomenclature. It has been reported in many patients to be causative for autosomal dominant congenital dysfibrinogenemia (CD) (see, for example, Zdziarska et al. 2011. PubMed ID: 22169505; Siebenlist et al. 1988. PubMed ID: 3345340; Smith et al. 2018. PubMed ID: 30349899; Shapiro et al. 2013. PubMed ID: 23061815; Mohsenian et al. 2021. PubMed ID: 34275736). This variant was also found in the heterozygous state in several asymptomatic individuals with laboratory confirmed clinical diagnoses of CD due to abnormal fibrinogen (Table 1, Szanto et al. 2021. PubMed ID: 33668986; Table 1, Simurda et al. 2020. PubMed ID: 32166693). This variant has also been reported in the homozygous state in at least two individuals who experienced more profound bleeding episodes and a more severe form of CD (Alving and Henschen. 1987. PubMed ID: 3618591; Galanakis. 1984.PubMed ID: 6388985). Other missense variants affecting this amino acid (p.Arg35Cys, p.Arg35Ser, p.Arg35Pro) have also been reported in the heterozygous state in patients with dysfibrinogenemia, and p.Arg35Cys was reported in the heterozygous and compound heterozygous states in individuals with hypodysfibrinogenemia, suggesting p.Arg35 is important for proper FGA protein function (Miesbach et al. 2010. PubMed ID: 19923982; Shapiro et al. 2013. PubMed ID: 23061815; Smith et al. 2017. PubMed ID: 30349899). Functional studies of p.Arg16His and p.Arg16Cys show reduced fibrinogen activity (Jiang et al. 2012. PubMed ID: 22967385). This variant is reported in 0.0031% of alleles in individuals of European (non-Finnish) descent in gnomAD. This variant is interpreted as pathogenic.

GeneDx
Classification: Pathogenic. Last evaluated: 2025-10-02. Review status: criteria provided, single submitter. Criteria: GeneDx Variant Classification Process June 2021. Collection method: clinical testing. Allele origin: germline. Affected: yes.
Comment: Published functional studies suggest a damaging effect: impaired thrombin polymerization, reduced fibrinogen clottability, reduced fibrinolysis velocity, and delayed release of fibrinopeptide A (PMID: 6830702, 22967385, 22880226); In silico analysis supports that this missense variant has a deleterious effect on protein structure/function; Not observed at significant frequency in large population cohorts (gnomAD); Also known as R16H; This variant is associated with the following publications: (PMID: 32877852, 33822462, 33443927, 34275736, 32939696, 23962069, 22880226, 22967385, 6830702, 27684817, 6191801, 2738154, 9391726, 25320241, 26577257, 29070135, 29869737, 30856382, 31314131, 30332696, 32166693, 30349899, 2379562, 35949040, 35975558, 31064749, 3618591, 34455742, 7298640, 22169505, 37647632)

Mayo Clinic Laboratories, Mayo Clinic
Classification: Pathogenic. Last evaluated: 2025-05-07. Review status: criteria provided, single submitter. Criteria: ACMG Guidelines, 2015. Collection method: clinical testing. Allele origin: germline. Observed: 38 variant alleles.
Comment: PM1, PM2_supporting, PM5, PS3, PS4

Blueprint Genetics
Classification: Pathogenic for FGA-related disorders. Last evaluated: 2024-11-04. Review status: criteria provided, single submitter. Criteria: ACMG Guidelines, 2015. Collection method: clinical testing. Allele origin: germline. Affected: yes. Observed: 5 variant alleles.

Fulgent Genetics
Classification: Pathogenic for Familial visceral amyloidosis, Ostertag type; Congenital afibrinogenemia; Familial dysfibrinogenemia. Last evaluated: 2024-01-30. Review status: criteria provided, single submitter. Criteria: ACMG Guidelines, 2015. Collection method: clinical testing. Allele origin: germline.

Genetics and Molecular Pathology, SA Pathology
Classification: Pathogenic for Familial dysfibrinogenemia. Last evaluated: 2022-08-29. Review status: criteria provided, single submitter. Criteria: ACMG Guidelines, 2015. Collection method: clinical testing. Allele origin: germline. Affected: yes.
Comment: The FGA c.104G>A variant is classified as Pathogenic (PS1, PS4, PM1, PM2) The FGA c.104G>A variant is a single nucleotide change in exon 2/6 of the FGA gene, which is predicted to change the amino acid arginine at position 35 in the protein to histidine. The variant has been reported in probands with a clinical presentation of MIM: 616004 (PS4). The variant is rare in population databases (gnomAD allele frequency = 0.0013%; 2 het and 0 hom in 152172 sequenced alleles; highest frequency = 0.0024%, African/African American population) (PM2). Detected in 7x patients with disease in PMID 31064749. This variant is located in a conserved region (PM1). (PMID:34275736) This variant results in the same amino acid change as a previously established variant (PS1). The variant has been reported in dbSNP (rs121909607) and has been reported as Pathogenic/Likely pathogenic by other diagnostic laboratories (ClinVar Variation ID: 16404). It has not been reported in HGMD.

Johns Hopkins Genomics, Johns Hopkins University
Classification: Pathogenic for Familial dysfibrinogenemia. Last evaluated: 2022-07-11. Review status: criteria provided, single submitter. Criteria: ACMG Guidelines, 2015. Collection method: clinical testing. Allele origin: germline.
Comment: This FGA missense variant has been identified in the heterozygous state in multiple individuals with congenital dysfibrinogenemia, and is also reported in individuals with FGA-related congenital fibrinogen defects due to biallelic variants. This variant (rs121909607) is rare (<0.1%) in a large population dataset (gnomAD v2.1.1: 4/282670 total alleles; 0.0014%; no homozygotes). It has been reported in ClinVar7 (Variation ID 16404). Three bioinformatic tools queried predict that this substitution would be damaging, and the arginine residue at this position is evolutionarily conserved across all species assessed. Functional studies support that this missense change impacts protein function. We consider c.104G>A in FGA to be pathogenic.

Women's Health and Genetics/Laboratory Corporation of America, LabCorp
Classification: Pathogenic for Familial dysfibrinogenemia. Last evaluated: 2022-04-08. Review status: criteria provided, single submitter. Criteria: LabCorp Variant Classification Summary - May 2015. Collection method: clinical testing. Allele origin: germline.
Comment: Variant summary: FGA c.104G>A (p.Arg35His) results in a non-conservative amino acid change in the encoded protein sequence. Five of five in-silico tools predict a damaging effect of the variant on protein function. The variant allele was found at a frequency of 1.2e-05 in 251286 control chromosomes (gnomAD). c.104G>A has been reported in the literature in multiple individuals affected with Congenital Dysfibrinogenemia (e.g. Simurda_2020, Szanto_2021, Zhou_2021), including at least one homozygote (Alving_1987). These data indicate that the variant is very likely to be associated with disease. Three ClinVar submitters have assessed the variant since 2014: one classified the variant as likely pathogenic, and two as pathogenic. Based on the evidence outlined above, the variant was classified as pathogenic.

NIHR Bioresource Rare Diseases, University of Cambridge
Classification: Pathogenic for Hypofibrinogenemia. Last evaluated: 2019-02-01. Review status: criteria provided, single submitter. Criteria: ACMG Guidelines, 2015. Collection method: research. Allele origin: unknown. Affected: yes. Observed: 12 heterozygotes. Study: ThromboGenomics.

NIHR Bioresource Rare Diseases, University of Cambridge
Classification: Pathogenic for Abnormal bleeding. Last evaluated: 2019-02-01. Review status: criteria provided, single submitter. Criteria: ACMG Guidelines, 2015. Collection method: research. Allele origin: unknown. Affected: yes. Observed: 1 heterozygote. Study: ThromboGenomics.

OMIM
Classification: Pathogenic for FIBRINOGEN PETOSKEY. Last evaluated: 1989-07-01. Review status: no assertion criteria provided. Collection method: literature only. Allele origin: germline. Not counted in ClinVar's aggregate classification.

Literature cited by the submitters: PubMed 22880226 (cited by Mayo Clinic Laboratories, Mayo Clinic and Johns Hopkins Genomics, Johns Hopkins University); PubMed 2379562 (cited by Mayo Clinic Laboratories, Mayo Clinic); PubMed 25816717 (cited by Mayo Clinic Laboratories, Mayo Clinic and Johns Hopkins Genomics, Johns Hopkins University); PubMed 2738154 (cited by Mayo Clinic Laboratories, Mayo Clinic and OMIM); PubMed 27684817 (cited by Mayo Clinic Laboratories, Mayo Clinic and Johns Hopkins Genomics, Johns Hopkins University); PubMed 28101869 (cited by Mayo Clinic Laboratories, Mayo Clinic and Johns Hopkins Genomics, Johns Hopkins University); PubMed 28211264 (cited by Mayo Clinic Laboratories, Mayo Clinic); PubMed 30332696 (cited by Mayo Clinic Laboratories, Mayo Clinic and Johns Hopkins Genomics, Johns Hopkins University); PubMed 31924745 (cited by Mayo Clinic Laboratories, Mayo Clinic); PubMed 3345340 (cited by 3 submitters); PubMed 35008554 (cited by Mayo Clinic Laboratories, Mayo Clinic); PubMed 3590111 (cited by 3 submitters); PubMed 3618591 (cited by 4 submitters); PubMed 37846702 (cited by Mayo Clinic Laboratories, Mayo Clinic); PubMed 38251440 (cited by Mayo Clinic Laboratories, Mayo Clinic); PubMed 38286442 (cited by Mayo Clinic Laboratories, Mayo Clinic); PubMed 38953055 (cited by Mayo Clinic Laboratories, Mayo Clinic); PubMed 4052020 (cited by 3 submitters); PubMed 31064749 (cited by Genetics and Molecular Pathology, SA Pathology and NIHR Bioresource Rare Diseases, University of Cambridge); PubMed 34275736 (cited by Genetics and Molecular Pathology, SA Pathology); PubMed 17982313 (cited by Johns Hopkins Genomics, Johns Hopkins University); PubMed 32877852 (cited by Johns Hopkins Genomics, Johns Hopkins University and Women's Health and Genetics/Laboratory Corporation of America, LabCorp); PubMed 32166693 (cited by Women's Health and Genetics/Laboratory Corporation of America, LabCorp); PubMed 33668986 (cited by Women's Health and Genetics/Laboratory Corporation of America, LabCorp); PubMed 7298640 (cited by OMIM); Qureshi, G. D., Evans, H. J., Vennart, R. M., Magnant, J. P., Sabau, J. M., Willoughby, J. B., Koehn, J. A. Fibrinogen White Marsh--a new human fibrinogen variant with alpha chain defect. (Abstract) Clin. Res. 31: 321A-only, 1983. (cited by OMIM); PubMed 6191801 (cited by OMIM); Ebert, R. F. Index of Variant Human Fibrinogens. Rockville, Md.: Privately published (pub.) 1990. (cited by OMIM); Galanakis, D. K., Henschen, A., Keeling, M., Kehl, M., Dismore, R., Peerschke, E. I. Fibrinogen Louisville: an A-alpha-16-arg-to-his defect that forms no hybrid molecules in heterozygous individuals and inhibits aggregation of normal fibrin monomers. Ann. N.Y. Acad. Sci. 408: 644-648, 1983. (cited by OMIM).